The following is an entry in ClinVar:

ClinVar aggregate classification (germline): Conflicting classifications of pathogenicity. Review status: criteria provided, conflicting classifications (1 of 4 stars). 7 submissions from 7 submitters: Uncertain significance (6); Likely benign (1). Last evaluated 2025-09-16.

Conditions:
Classic or attenuated familial adenomatous polyposis. Identifiers: MedGen CN372698, MONDO:0021057.
APC-related disorder. Also called: APC-related condition.
Hereditary cancer-predisposing syndrome. Also called: Hereditary neoplastic syndrome; Hereditary Cancer Syndrome; Neoplastic Syndromes, Hereditary; Tumor predisposition. Identifiers: Orphanet 140162, MedGen C0027672, MeSH D009386, MONDO:0015356.
Familial adenomatous polyposis 1 (FAP1). Also called: FAMILIAL ADENOMATOUS POLYPOSIS 1, ATTENUATED; POLYPOSIS, ADENOMATOUS INTESTINAL. Identifiers: MedGen C2713442, MONDO:0021056, OMIM 175100. Disease mechanism: loss of function.

Allele frequency attached by ClinVar (database versions not stated): gnomAD exomes below 0.00001 and 0.00002; gnomAD 0.00001; TOPMed 0.00001; ExAC 0.00002; ESP Exome Variant Server 0.00008.
gnomAD v4.1: 8 of 1,613,956 alleles (0.0005%); highest among the groups gnomAD compares: Non-Finnish European, 0.00068%; no homozygotes.

Submissions (7):

Labcorp Genetics (formerly Invitae), Labcorp
Classification: Uncertain significance for Familial adenomatous polyposis 1. Last evaluated: 2025-09-16. Review status: criteria provided, single submitter. Criteria: Invitae Variant Classification Sherloc (09022015). Collection method: clinical testing. Allele origin: germline.
Comment: This sequence change replaces glycine, which is neutral and non-polar, with valine, which is neutral and non-polar, at codon 84 of the APC protein (p.Gly84Val). This variant is present in population databases (rs143145868, gnomAD 0.002%). This variant has not been reported in the literature in individuals affected with APC-related conditions. ClinVar contains an entry for this variant (Variation ID: 230215). Invitae Evidence Modeling of protein sequence and biophysical properties (such as structural, functional, and spatial information, amino acid conservation, physicochemical variation, residue mobility, and thermodynamic stability) indicates that this missense variant is not expected to disrupt APC protein function with a negative predictive value of 95%. In summary, the available evidence is currently insufficient to determine the role of this variant in disease. Therefore, it has been classified as a Variant of Uncertain Significance.

Quest Diagnostics Nichols Institute San Juan Capistrano
Classification: Uncertain significance. Last evaluated: 2025-03-30. Review status: criteria provided, single submitter. Criteria: Quest Diagnostics criteria. Collection method: clinical testing. Allele origin: unknown.
Comment: The APC c.251G>T (p.Gly84Val) variant has not been reported in individuals with APC-related conditions in the published literature. The frequency of this variant in the general population (Genome Aggregation Database) is uninformative in the assessment of its pathogenicity. Analysis of this variant using bioinformatics tools for the prediction of the effect of amino acid changes on protein structure and function yielded predictions that this variant is benign. Based on the available information, we are unable to determine the clinical significance of this variant.

All of Us Research Program, National Institutes of Health
Classification: Uncertain significance for Classic or attenuated familial adenomatous polyposis. Last evaluated: 2024-07-29. Review status: criteria provided, single submitter. Criteria: ACMG Guidelines, 2015. Collection method: clinical testing. Allele origin: germline. Inheritance: Autosomal dominant inheritance. Observed: 4 variant alleles, 4 heterozygotes.
Comment: This missense variant replaces glycine with valine at codon 84 of the APC protein. Computational prediction is inconclusive regarding the impact of this variant on protein structure and function (internally defined REVEL score threshold 0.5 < inconclusive < 0.7, PMID: 27666373). Splice site prediction tools suggest that this variant may not impact RNA splicing. To our knowledge, functional studies have not been reported for this variant. This variant has not been reported in individuals affected with hereditary cancer in the literature. This variant has been identified in 5/282814 chromosomes in the general population by the Genome Aggregation Database (gnomAD). The available evidence is insufficient to determine the role of this variant in disease conclusively. Therefore, this variant is classified as a Variant of Uncertain Significance.

This study involves interpretation of variants in research participants for the purpose of population health screening. Participant phenotype was not available at the time of variant classification. Additional details can be found in publication PMID: 35346344, PMCID: PMC8962531

Color Diagnostics, LLC DBA Color Health
Classification: Uncertain significance for Hereditary cancer-predisposing syndrome. Last evaluated: 2024-07-16. Review status: criteria provided, single submitter. Criteria: ACMG Guidelines, 2015. Collection method: clinical testing. Allele origin: germline.
Comment: This missense variant replaces glycine with valine at codon 84 of the APC protein. Computational prediction is inconclusive regarding the impact of this variant on protein structure and function (internally defined REVEL score threshold 0.5 < inconclusive < 0.7, PMID: 27666373). To our knowledge, functional studies have not been reported for this variant. This variant has not been reported in individuals affected with APC-related disorders in the literature. This variant has been identified in 5/282814 chromosomes in the general population by the Genome Aggregation Database (gnomAD). The available evidence is insufficient to determine the role of this variant in disease conclusively. Therefore, this variant is classified as a Variant of Uncertain Significance.

PreventionGenetics, part of Exact Sciences
Classification: Uncertain significance for APC-related condition. Last evaluated: 2023-06-14. Review status: criteria provided, single submitter. Criteria: ACMG Guidelines, 2015. Collection method: clinical testing. Allele origin: germline.
Comment: The APC c.251G>T variant is predicted to result in the amino acid substitution p.Gly84Val. To our knowledge, this variant has not been reported in the literature. This variant is reported in 0.0039% of alleles in individuals of European (Non-Finnish) descent in gnomAD. It has conflicting interpretations of likely benign and uncertain significance in ClinVar. At this time, the clinical significance of this variant is uncertain due to the absence of conclusive functional and genetic evidence.

Baylor Genetics
Classification: Uncertain significance for Familial adenomatous polyposis 1. Last evaluated: 2023-04-18. Review status: criteria provided, single submitter. Criteria: ACMG Guidelines, 2015. Collection method: clinical testing. Allele origin: unknown.

Ambry Genetics
Classification: Likely benign for Hereditary cancer-predisposing syndrome. Last evaluated: 2023-01-10. Review status: criteria provided, single submitter. Criteria: Ambry Variant Classification Scheme 2023. Collection method: clinical testing. Allele origin: germline.

NM_000038.6(APC):c.251G>T (p.Gly84Val)

Gene: APC (APC regulator of Wnt signaling pathway; plus strand). Cytogenetic location: 5q22.2.
Variant type: single nucleotide variant.
Coding change: c.251G>T on transcript NM_000038.6 (MANE Select); coding-DNA position 251, G replaced by T.
Protein change: p.Gly84Val; replaces glycine 84 with valine.
Molecular consequence: missense variant. On other transcripts: 5 prime UTR variant (1).
Genome position (GRCh38, 1-based): chr5:112,767,219, G>T. VCF-style: chr5-112767219-G-T. GRCh37 (hg19) VCF-style: chr5-112102916-G-T.
Other names: c.251G>T, p.Gly84Val (NM_001127510.3, NM_001354895.2, NM_001354896.2 and 2 more transcripts); c.281G>T, p.Gly94Val (NM_001127511.3, NM_001354897.2, NM_001354902.2); c.176G>T, p.Gly59Val (NM_001354898.2, NM_001354904.2); c.74G>T, p.Gly25Val (NM_001354900.2, NM_001354901.2, NM_001354905.2); c.-785G>T (NM_001354906.2); short protein forms G84V, G94V, G25V, G59V.
Identifiers: ClinVar variation 230215 (VCV000230215.25), dbSNP rs143145868, ClinGen allele CA032367.